The following is an entry in ClinVar:

NM_000081.4(LYST):c.1259C>T (p.Ala420Val)

Gene: LYST (lysosomal trafficking regulator; minus strand). Cytogenetic location: 1q42.3.
Variant type: single nucleotide variant.
Coding change: c.1259C>T on transcript NM_000081.4 (MANE Select); coding-DNA position 1259, C replaced by T.
Protein change: p.Ala420Val; replaces alanine 420 with valine.
Molecular consequence: missense variant.
Genome position (GRCh38, 1-based): chr1:235,809,559, G>A on the plus strand (C>T on the coding strand, the complement: LYST is on the minus strand). VCF-style: chr1-235809559-G-A. GRCh37 (hg19) VCF-style: chr1-235972859-G-A.
Other names: p.Ala420Val; c.1259C>T, p.Ala420Val (NM_001301365.1); short protein forms A420V.
Identifiers: ClinVar variation 840739 (VCV000840739.9), dbSNP rs1673230454, ClinGen allele CA344962814.

ClinVar aggregate classification (germline): Uncertain significance. Review status: criteria provided, multiple submitters, no conflicts (2 of 4 stars). 3 submissions from 3 submitters: Uncertain significance (3). Last evaluated 2025-10-01.

Conditions:
Chédiak-Higashi syndrome (CHS). Also called: Chediak-Higashi Syndrome. Identifiers: Orphanet 167, MedGen C0007965, MONDO:0008963, OMIM 214500.

Allele frequency attached by ClinVar (database versions not stated): gnomAD 0.00001; TOPMed 0.00001.
gnomAD v4.1: 2 of 1,613,938 alleles (0.00012%); highest among the groups gnomAD compares: Admixed American, 0.0033%; no homozygotes.

Submissions (3):

Labcorp Genetics (formerly Invitae), Labcorp
Classification: Uncertain significance for Chédiak-Higashi syndrome. Last evaluated: 2025-10-01. Review status: criteria provided, single submitter. Criteria: Invitae Variant Classification Sherloc (09022015). Collection method: clinical testing. Allele origin: germline.
Comment: This sequence change replaces alanine, which is neutral and non-polar, with valine, which is neutral and non-polar, at codon 420 of the LYST protein (p.Ala420Val). This variant is not present in population databases (gnomAD no frequency). This variant has not been reported in the literature in individuals affected with LYST-related conditions. ClinVar contains an entry for this variant (Variation ID: 840739). Invitae Evidence Modeling of protein sequence and biophysical properties (such as structural, functional, and spatial information, amino acid conservation, physicochemical variation, residue mobility, and thermodynamic stability) indicates that this missense variant is not expected to disrupt LYST protein function with a negative predictive value of 80%. In summary, the available evidence is currently insufficient to determine the role of this variant in disease. Therefore, it has been classified as a Variant of Uncertain Significance.

Mayo Clinic Laboratories, Mayo Clinic
Classification: Uncertain significance. Last evaluated: 2023-10-11. Review status: criteria provided, single submitter. Criteria: ACMG Guidelines, 2015. Collection method: clinical testing. Allele origin: germline. Observed: 1 variant allele.
Comment: PM1, PM2_moderate

Fulgent Genetics
Classification: Uncertain significance for Chédiak-Higashi syndrome. Last evaluated: 2021-07-23. Review status: criteria provided, single submitter. Criteria: ACMG Guidelines, 2015. Collection method: clinical testing. Allele origin: unknown.